The following is an entry in ClinVar:

ClinVar aggregate classification (germline): Benign/Likely benign. Review status: criteria provided, multiple submitters, no conflicts (2 of 4 stars). 7 submissions from 7 submitters: Benign (2); Likely benign (5). Last evaluated 2026-02-01.

Conditions:
Hereditary cancer-predisposing syndrome. Also called: Hereditary Cancer Syndrome; Hereditary neoplastic syndrome; Neoplastic Syndromes, Hereditary; Tumor predisposition. Identifiers: Orphanet 140162, MedGen C0027672, MeSH D009386, MONDO:0015356.
Oligodontia-cancer predisposition syndrome. Also called: TOOTH AGENESIS-COLORECTAL CANCER SYNDROME. Identifiers: Orphanet 300576, MedGen C1837750, MONDO:0012075, OMIM 608615. Disease mechanism: loss of function.

Allele frequency attached by ClinVar (database versions not stated): gnomAD exomes 0.00001 and 0.00003; TOPMed 0.00002; ExAC 0.00003; gnomAD 0.00003.
gnomAD v4.1: 24 of 1,612,254 alleles (0.0015%); highest among the groups gnomAD compares: Middle Eastern, 0.034%; no homozygotes.

Submissions (7):

Labcorp Genetics (formerly Invitae), Labcorp
Classification: Likely benign for Oligodontia-cancer predisposition syndrome. Last evaluated: 2026-02-01. Review status: criteria provided, single submitter. Criteria: Invitae Variant Classification Sherloc (09022015). Collection method: clinical testing. Allele origin: germline.

Myriad Genetics, Inc.
Classification: Benign for Oligodontia-cancer predisposition syndrome. Last evaluated: 2024-07-03. Review status: criteria provided, single submitter. Criteria: Myriad Autosomal Dominant, Autosomal Recessive and X-Linked Classification Criteria (2023). Collection method: clinical testing. Allele origin: unknown.
Comment: This variant is considered benign. This variant is a silent/synonymous amino acid change and it is not expected to impact splicing.

Quest Diagnostics Nichols Institute San Juan Capistrano
Classification: Benign. Last evaluated: 2022-09-03. Review status: criteria provided, single submitter. Criteria: Quest Diagnostics criteria. Collection method: clinical testing. Allele origin: unknown.

Ambry Genetics
Classification: Likely benign for Hereditary cancer-predisposing syndrome. Last evaluated: 2020-01-31. Review status: criteria provided, single submitter. Criteria: Ambry Variant Classification Scheme 2023. Collection method: clinical testing. Allele origin: germline.

GeneDx
Classification: Likely benign. Last evaluated: 2019-06-03. Review status: criteria provided, single submitter. Criteria: GeneDx Variant Classification Process June 2021. Collection method: clinical testing. Allele origin: germline. Affected: yes.
Comment: This variant is associated with the following publications: (PMID: 23525077)

Illumina Laboratory Services, Illumina
Classification: Likely benign for Oligodontia-cancer predisposition syndrome. Last evaluated: 2018-01-13. Review status: criteria provided, single submitter. Criteria: ICSL Variant Classification Criteria 13 December 2019. Collection method: clinical testing. Allele origin: germline.
Comment: This variant was observed in the ICSL laboratory as part of a predisposition screen in an ostensibly healthy population. It had not been previously curated by ICSL or reported in the Human Gene Mutation Database (HGMD: prior to June 1st, 2018), and was therefore a candidate for classification through an automated scoring system. Utilizing variant allele frequency, disease prevalence and penetrance estimates, and inheritance mode, an automated score was calculated to assess if this variant is too frequent to cause the disease. Based on the score and internal cut-off values, a variant classified as likely benign is not then subjected to further curation. The score for this variant resulted in a classification of likely benign for this disease.

Breakthrough Genomics
Classification: Likely benign. Review status: criteria provided, single submitter. Criteria: ACMG Guidelines, 2015. Collection method: not provided. Allele origin: germline. Inheritance: Autosomal dominant inheritance. Affected: yes.

NM_004655.4(AXIN2):c.1485C>T (p.Gly495=)

Gene: AXIN2 (axin 2; minus strand). Cytogenetic location: 17q24.1.
Variant type: single nucleotide variant.
Coding change: c.1485C>T on transcript NM_004655.4 (MANE Select); coding-DNA position 1485, C replaced by T.
Protein change: p.Gly495=; no amino-acid change (glycine 495 retained).
Molecular consequence: synonymous variant.
Genome position (GRCh38, 1-based): chr17:65,537,551, G>A on the plus strand (C>T on the coding strand, the complement: AXIN2 is on the minus strand). VCF-style: chr17-65537551-G-A. GRCh37 (hg19) VCF-style: chr17-63533669-G-A.
Other names: c.1485C>T (LRG_296t1); c.1485C>T, p.Gly495= (NM_001363813.1).
Identifiers: ClinVar variation 408808 (VCV000408808.22), dbSNP rs770556906, ClinGen allele CA8718636.